The following is an entry in ClinVar:

NM_138702.1(MAGEC3):c.1698G>T (p.Glu566Asp)

Gene: MAGEC3 (MAGE family member C3; plus strand). Cytogenetic location: Xq27.2.
Variant type: single nucleotide variant.
Coding change: c.1698G>T on transcript NM_138702.1 (MANE Select); coding-DNA position 1698, G replaced by T.
Protein change: p.Glu566Asp; replaces glutamic acid 566 with aspartic acid.
Molecular consequence: missense variant.
Genome position (GRCh38, 1-based): chrX:141,897,456, G>T. VCF-style: chrX-141897456-G-T. GRCh37 (hg19) VCF-style: chrX-140985242-G-T.
Other names: c.804G>T, p.Glu268Asp (NM_177456.2); short protein forms E268D, E566D.
Identifiers: ClinVar variation 3038029 (VCV003038029.2), dbSNP rs773307112, ClinGen allele CA414445335.
Genomic context (GRCh38, chrX:141,897,456, plus strand): 5'-CTGTCTCCTGATTCTTATTCTCAGTATGATCTTCATAAAGGGCAGCTGTGTCCCCGAGGA[G>T]GTCATCTGGGAAGTGTTGAGTGCAATAGGGGTGTGTGCTGGGAGGGAGCACTTTATATAT-3'
Protein context (NP_619647.1, residues 556-576): IFIKGSCVPE[Glu566Asp]VIWEVLSAIG

ClinVar aggregate classification (germline): Uncertain significance (0 of 4 stars; one submission).

Conditions:
MAGEC3-related disorder. Also called: MAGEC3-related condition.

Submission:

PreventionGenetics, part of Exact Sciences
Classification: Uncertain significance for MAGEC3-related condition. Last evaluated: 2023-12-20. Review status: no assertion criteria provided. Collection method: clinical testing. Allele origin: germline.
Comment: The MAGEC3 c.1698G>T variant is predicted to result in the amino acid substitution p.Glu566Asp. To our knowledge, this variant has not been reported in the literature or in a large population database, indicating this variant is rare. At this time, the clinical significance of this variant is uncertain due to the absence of conclusive functional and genetic evidence.